The following is an entry in ClinVar:

ClinVar aggregate classification (germline): Likely benign (0 of 4 stars; one submission).

Conditions:
SEMA3C-related disorder. Also called: SEMA3C-related condition.

Submission:

PreventionGenetics, part of Exact Sciences
Classification: Likely benign for SEMA3C-related condition. Last evaluated: 2024-07-22. Review status: no assertion criteria provided. Collection method: clinical testing. Allele origin: germline.
Comment: This variant is classified as likely benign based on ACMG/AMP sequence variant interpretation guidelines (Richards et al. 2015 PMID: 25741868, with internal and published modifications).

NM_006379.5(SEMA3C):c.2229C>T (p.Asn743=)

Gene: SEMA3C (semaphorin 3C; minus strand). Cytogenetic location: 7q21.11.
Variant type: single nucleotide variant.
Coding change: c.2229C>T on transcript NM_006379.5 (MANE Select); coding-DNA position 2229, C replaced by T.
Protein change: p.Asn743=; no amino-acid change (asparagine 743 retained).
Molecular consequence: synonymous variant.
Genome position (GRCh38, 1-based): chr7:80,744,921, G>A on the plus strand (C>T on the coding strand, the complement: SEMA3C is on the minus strand). VCF-style: chr7-80744921-G-A. GRCh37 (hg19) VCF-style: chr7-80374237-G-A.
Other names: c.2283C>T, p.Asn761= (NM_001350120.2); c.2055C>T, p.Asn685= (NM_001350121.2).
Identifiers: ClinVar variation 3353293 (VCV003353293.1).